The following is an entry in ClinVar:

ClinVar aggregate classification (germline): Conflicting classifications of pathogenicity. Review status: criteria provided, conflicting classifications (1 of 4 stars). 2 submissions from 2 submitters: Uncertain significance (1); Likely benign (1). Last evaluated 2022-06-22.

Conditions:
Walker-Warburg congenital muscular dystrophy. Also called: Muscular dystrophy-dystroglycanopathy, type A; Walker-Warburg syndrome. Identifiers: Orphanet 899, MedGen C0265221, MONDO:0000171.

Submissions (2):

Labcorp Genetics (formerly Invitae), Labcorp
Classification: Uncertain significance for Walker-Warburg congenital muscular dystrophy. Last evaluated: 2022-06-22. Review status: criteria provided, single submitter. Criteria: Invitae Variant Classification Sherloc (09022015). Collection method: clinical testing. Allele origin: germline.
Comment: This sequence change affects codon 391 of the FKTN mRNA. It is a 'silent' change, meaning that it does not change the encoded amino acid sequence of the FKTN protein. It affects a nucleotide within the consensus splice site. This variant is not present in population databases (gnomAD no frequency). This variant has not been reported in the literature in individuals affected with FKTN-related conditions. ClinVar contains an entry for this variant (Variation ID: 1202060). Algorithms developed to predict the effect of sequence changes on RNA splicing suggest that this variant is not likely to affect RNA splicing. In summary, the available evidence is currently insufficient to determine the role of this variant in disease. Therefore, it has been classified as a Variant of Uncertain Significance.

GeneDx
Classification: Likely benign. Last evaluated: 2020-02-11. Review status: criteria provided, single submitter. Criteria: GeneDx Variant Classification Process June 2021. Collection method: clinical testing. Allele origin: germline. Affected: yes.

NM_001079802.2(FKTN):c.1173A>G (p.Lys391=)

Gene: FKTN (fukutin; plus strand). Cytogenetic location: 9q31.2.
Variant type: single nucleotide variant.
Coding change: c.1173A>G on transcript NM_001079802.2 (MANE Select); coding-DNA position 1173, A replaced by G.
Protein change: p.Lys391=; no amino-acid change (lysine 391 retained).
Molecular consequence: synonymous variant. On other transcripts: missense variant (1), non-coding transcript variant (2).
Genome position (GRCh38, 1-based): chr9:105,635,051, A>G. VCF-style: chr9-105635051-A-G. GRCh37 (hg19) VCF-style: chr9-108397332-A-G.
Other names: c.1173A>G, p.Lys391= (NM_001198963.2, NM_001351496.2, NM_006731.2); c.1104A>G, p.Lys368= (NM_001351497.2); c.1204A>G, p.Ile402Val (NM_001351498.2); c.777A>G, p.Lys259= (NM_001351499.2, NM_001351500.2, NM_001351501.2 and 1 more transcripts); short protein forms I402V.
Identifiers: ClinVar variation 1202060 (VCV001202060.5), dbSNP rs2133450404, ClinGen allele CA466518132.